The following is an entry in ClinVar:

ClinVar aggregate classification (germline): Uncertain significance (1 of 4 stars; one submission).

Allele frequency attached by ClinVar (database versions not stated): ExAC 0.00001; gnomAD exomes 0.00001.
gnomAD v4.1: 29 of 1,612,836 alleles (0.0018%); highest among the groups gnomAD compares: African/African-American, 0.0027%; no homozygotes.

Submission:

Labcorp Genetics (formerly Invitae), Labcorp
Classification: Uncertain significance. Last evaluated: 2022-09-07. Review status: criteria provided, single submitter. Criteria: Invitae Variant Classification Sherloc (09022015). Collection method: clinical testing. Allele origin: germline.
Comment: This sequence change falls in intron 6 of the ASAH1 gene. It does not directly change the encoded amino acid sequence of the ASAH1 protein. This variant is present in population databases (rs758950964, gnomAD 0.002%). This variant has not been reported in the literature in individuals affected with ASAH1-related conditions. ClinVar contains an entry for this variant (Variation ID: 1364945). Algorithms developed to predict the effect of sequence changes on RNA splicing suggest that this variant may disrupt the consensus splice site. In summary, the available evidence is currently insufficient to determine the role of this variant in disease. Therefore, it has been classified as a Variant of Uncertain Significance.

NM_177924.5(ASAH1):c.458-5A>G

Gene: ASAH1 (N-acylsphingosine amidohydrolase 1; minus strand). Cytogenetic location: 8p22.
Variant type: single nucleotide variant.
Coding change: c.458-5A>G on transcript NM_177924.5 (MANE Select); 5 bases into the intron before coding-DNA position 458, A replaced by G.
Molecular consequence: intron variant.
Genome position (GRCh38, 1-based): chr8:18,063,235, T>C on the plus strand (A>G on the coding strand, the complement: ASAH1 is on the minus strand). VCF-style: chr8-18063235-T-C. GRCh37 (hg19) VCF-style: chr8-17920744-T-C.
Other names: c.506-5A>G (NM_004315.6); c.440-5A>G (NM_001127505.3); c.263-5A>G (NM_001363743.2).
Identifiers: ClinVar variation 1364945 (VCV001364945.5), dbSNP rs758950964, ClinGen allele CA4650816.